The following is an entry in ClinVar:

NM_030973.4(MED25):c.1572C>T (p.Gly524=)

Gene: MED25 (mediator complex subunit 25; plus strand). Cytogenetic location: 19q13.33.
Variant type: single nucleotide variant.
Coding change: c.1572C>T on transcript NM_030973.4 (MANE Select); coding-DNA position 1572, C replaced by T.
Protein change: p.Gly524=; no amino-acid change (glycine 524 retained).
Molecular consequence: synonymous variant.
Genome position (GRCh38, 1-based): chr19:49,835,075, C>T. VCF-style: chr19-49835075-C-T. GRCh37 (hg19) VCF-style: chr19-50338332-C-T.
Other names: c.1572C>T, p.Gly524= (NM_001378355.1).
Identifiers: ClinVar variation 543264 (VCV000543264.40), dbSNP rs559482732, ClinGen allele CA9585310.

ClinVar aggregate classification (germline): Likely benign. Review status: criteria provided, multiple submitters, no conflicts (2 of 4 stars). 4 submissions from 4 submitters: Likely benign (4). Last evaluated 2025-11-24.

Conditions:
Charcot-Marie-Tooth disease type 2. Also called: Charcot-Marie-Tooth type 2. Identifiers: Orphanet 64746, MedGen C0270914, MONDO:0018993.
Charcot-Marie-Tooth disease. Also called: Charcot-Marie-Tooth Neuropathy; Charcot-Marie-Tooth Hereditary Neuropathy. Identifiers: Orphanet 166, MedGen C0007959, MONDO:0015626.

Allele frequency attached by ClinVar (database versions not stated): gnomAD 0.00005; TOPMed 0.00006; gnomAD exomes 0.00012 and 0.00017; 1000 Genomes Project 30x 0.00016; ExAC 0.00018; 1000 Genomes Project 0.00020.
gnomAD v4.1: 191 of 1,614,118 alleles (0.012%); highest among the groups gnomAD compares: South Asian, 0.051%; no homozygotes.

Submissions (4):

Labcorp Genetics (formerly Invitae), Labcorp
Classification: Likely benign for Charcot-Marie-Tooth disease type 2. Last evaluated: 2025-11-24. Review status: criteria provided, single submitter. Criteria: Invitae Variant Classification Sherloc (09022015). Collection method: clinical testing. Allele origin: germline.

CeGaT Center for Human Genetics Tuebingen
Classification: Likely benign. Last evaluated: 2022-11-01. Review status: criteria provided, single submitter. Criteria: CeGaT Center For Human Genetics Tuebingen Variant Classification Criteria Version 2. Collection method: clinical testing. Allele origin: germline. Affected: yes. Observed: 1 variant allele.
Comment: MED25: BP4

Genetic Services Laboratory, University of Chicago
Classification: Likely benign. Last evaluated: 2020-09-14. Review status: criteria provided, single submitter. Criteria: ACMG Guidelines, 2015. Collection method: clinical testing. Allele origin: germline. Affected: no.

Molecular Genetics Laboratory, London Health Sciences Centre
Classification: Likely benign for Charcot-Marie-Tooth disease. Review status: criteria provided, single submitter. Criteria: ACMG Guidelines, 2015. Collection method: clinical testing. Allele origin: germline. Affected: yes.